The following is an entry in ClinVar:

NM_001164508.2(NEB):c.24579G>A (p.Ser8193=)

Genes: NEB (nebulin; minus strand), RIF1 (replication timing regulatory factor 1; plus strand). Cytogenetic location: 2q23.3.
Variant type: single nucleotide variant.
Coding change: c.24579G>A on transcript NM_001164508.2 (MANE Select); coding-DNA position 24579, G replaced by A.
Protein change: p.Ser8193=; no amino-acid change (serine 8193 retained).
Molecular consequence: synonymous variant.
Genome position (GRCh38, 1-based): chr2:151,494,161, C>T on the plus strand (G>A on the coding strand, the complement: NEB is on the minus strand). VCF-style: chr2-151494161-C-T. GRCh37 (hg19) VCF-style: chr2-152350675-C-T.
Other names: c.24579G>A, p.Ser8193= (NM_001164507.2); c.24684G>A, p.Ser8228= (NM_001271208.2); c.19011G>A, p.Ser6337= (NM_004543.5); c.24579G>A (NM_001164508.1).
Identifiers: ClinVar variation 521691 (VCV000521691.28), dbSNP rs202048855, ClinGen allele CA1905995.

ClinVar aggregate classification (germline): Pathogenic/Likely pathogenic. Review status: criteria provided, multiple submitters, no conflicts (2 of 4 stars). 14 submissions from 14 submitters: Pathogenic (11); Likely pathogenic (3). Last evaluated 2025-09-22.

Conditions:
Arthrogryposis multiplex congenita 6. Identifiers: MedGen C5543431, MONDO:0030281, OMIM 619334.
Nemaline myopathy. Also called: Myopathies, Nemaline. Identifiers: Orphanet 607, MedGen C0206157, MONDO:0018958.
Nemaline myopathy 2 (NEM2). Also called: Nemaline myopathy 2, autosomal recessive. Identifiers: MedGen C1850569, MONDO:0009725, OMIM 256030.
Inborn genetic diseases. Identifiers: MedGen C0950123, MeSH D030342.
NEB-related disorder. Also called: NEB-Related Disorders; NEB-related condition.

Allele frequency attached by ClinVar (database versions not stated): TOPMed 0.00001; ESP Exome Variant Server 0.00008.
gnomAD v4.1: 27 of 1,601,982 alleles (0.0017%); highest among the groups gnomAD compares: Admixed American, 0.0051%; no homozygotes.

Submissions (14):

GeneDx
Classification: Pathogenic. Last evaluated: 2025-09-22. Review status: criteria provided, single submitter. Criteria: GeneDx Variant Classification Process June 2021. Collection method: clinical testing. Allele origin: germline.
Comment: Identified in patients with nemaline myopathy in published literature (PMID: 24725366, 25205138, 29669168, 32222963, 35081925); Alters the last nucleotide of the exon and is predicted to destroy the splice donor site but the effect on protein function is unclear; Not observed at significant frequency in large population cohorts (gnomAD); This variant is associated with the following publications: (PMID: 25205138, 32222963, 35081925, 29669168, 37460656, 24725366)

Natera, Inc.
Classification: Pathogenic for Nemaline myopathy type 2. Last evaluated: 2025-06-23. Review status: criteria provided, single submitter. Criteria: Natera Variant Classification Schema (03/2026). Collection method: clinical testing. Allele origin: germline.
Comment: The c.24684G>A variant in NEB is a synonymous variant that does not alter the encoded amino acid at position 8228 (p.S8228=). This variant is rare in the general population with a frequency below the threshold expected for the associated phenotype(s). This variant has been observed in one or more individuals affected with the associated recessive disease, as either homozygous or compound heterozygous with a second variant (PMID: 29246625, 32222963, 24725366). Computational prediction algorithms indicate this variant is likely to affect gene or protein function. Given the available evidence, this variant is classified as Pathogenic.

3billion
Classification: Likely pathogenic for Nemaline myopathy 2. Last evaluated: 2025-05-26. Review status: criteria provided, single submitter. Criteria: ACMG Guidelines, 2015. Collection method: clinical testing. Allele origin: germline. Affected: yes.
Comment: The variant is observed at an extremely low frequency in the gnomAD v4.1.0 dataset (total allele frequency: 0.002%). Predicted Consequence/Location: Synonymous variant In silico tools predict the variant to alter splicing and produce an abnormal transcript [SpliceAI: 0.66 (>=0.2, moderate evidence for spliceogenicity)]. The variant has been reported to be in trans with a pathogenic variant as either compound heterozygous or homozygous in at least one similarly affected unrelated individual (PMID: 24725366 /3billion dataset). The variant has been reported at least twice as pathogenic with clinical assertions and evidence for the classification (ClinVar ID: VCV000521691 /PMID: 24725366 /3billion dataset). Therefore, this variant is classified as Likely pathogenic according to the recommendation of ACMG/AMP guideline.

Labcorp Genetics (formerly Invitae), Labcorp
Classification: Pathogenic for Nemaline myopathy 2. Last evaluated: 2025-05-17. Review status: criteria provided, single submitter. Criteria: Invitae Variant Classification Sherloc (09022015). Collection method: clinical testing. Allele origin: germline.
Comment: This sequence change affects codon 8228 of the NEB mRNA. It is a 'silent' change, meaning that it does not change the encoded amino acid sequence of the NEB protein. This variant also falls at the last nucleotide of exon 175, which is part of the consensus splice site for this exon. This variant is present in population databases (rs202048855, gnomAD 0.006%). This variant has been observed in individual(s) with nemaline myopathy (PMID: 24725366; internal data). In at least one individual the data is consistent with being in trans (on the opposite chromosome) from a pathogenic variant. This variant is also known as c.24579G>A. ClinVar contains an entry for this variant (Variation ID: 521691). Variants that disrupt the consensus splice site are a relatively common cause of aberrant splicing (PMID: 17576681, 9536098). Algorithms developed to predict the effect of sequence changes on RNA splicing suggest that this variant may disrupt the consensus splice site. For these reasons, this variant has been classified as Pathogenic.

Revvity Omics, Revvity
Classification: Pathogenic. Last evaluated: 2025-03-28. Review status: criteria provided, single submitter. Criteria: ACMG Guidelines, 2015. Collection method: clinical testing. Allele origin: germline.

Dasa
Classification: Pathogenic. Last evaluated: 2025-01-28. Review status: criteria provided, single submitter. Criteria: DASA Assertion Criteria. Collection method: clinical testing. Allele origin: germline.
Comment: NM_001164508.2(NEB):c.24579G>A (p.Ser8193=) is a sequence variant. This variant has been observed in affected individuals with related phenotype in a genotype context consistent with recessive disease (PMID: 24725366; PMID: 30467404; PMID: 25205138). Functional evidence supports a deleterious effect on the gene or gene product (PMID: 24725366; PMID: 30467404; PMID: 25205138). This variant has been recurrently observed in individuals with related phenotype (PMID: 24725366; PMID: 30467404; PMID: 25205138). Multiple computational predictions support a deleterious effect on the gene or gene product. The variant is present at low frequency in population datasets. Based on the available data, this variant is classified as pathogenic.

Blueprint Genetics
Classification: Pathogenic for NEB-related disorders. Last evaluated: 2024-10-31. Review status: criteria provided, single submitter. Criteria: ACMG Guidelines, 2015. Collection method: clinical testing. Allele origin: germline. Affected: yes. Observed: 4 variant alleles.

Baylor Genetics
Classification: Pathogenic for Arthrogryposis multiplex congenita 6. Last evaluated: 2024-03-29. Review status: criteria provided, single submitter. Criteria: ACMG Guidelines, 2015. Collection method: clinical testing. Allele origin: unknown.

Muscle and Diseases Team, Institut de Génétique et Biologie Moléculaire et Cellulaire
Classification: Pathogenic for Nemaline myopathy. Last evaluated: 2024-03-01. Review status: criteria provided, single submitter. Criteria: ACMG Guidelines, 2015. Collection method: research. Allele origin: maternal. Affected: yes. Observed: 1 variant allele.
Comment: PS3+PM1+PM2+PM3+PP3+PP4+PP5

Myriad Genetics, Inc.
Classification: Likely pathogenic for Nemaline myopathy 2. Last evaluated: 2021-11-12. Review status: criteria provided, single submitter. Criteria: Myriad Women's Health Autosomal Recessive and X-Linked Classification Criteria (2021). Collection method: clinical testing. Allele origin: unknown.
Comment: NM_001271208.1(NEB):c.24684G>A(S8228=) is a silent variant classified as likely pathogenic in the context of NEB-related nemaline myopathy. S8228= has been observed in cases with relevant disease (PMID: 32222963, 25205138, 23726790, 26562614). Functional assessments of this variant are not available in the literature. S8228= has been observed in population frequency databases (gnomAD: AFR 0.01%). In summary, NM_001271208.1(NEB):c.24684G>A(S8228=) is a silent variant that has been observed more frequently in cases with the relevant disease than in healthy populations. Please note: this variant was assessed in the context of healthy population screening.

Fulgent Genetics
Classification: Pathogenic for Nemaline myopathy 2; Arthrogryposis multiplex congenita 6. Last evaluated: 2021-07-27. Review status: criteria provided, single submitter. Criteria: ACMG Guidelines, 2015. Collection method: clinical testing. Allele origin: unknown.

Ambry Genetics
Classification: Likely pathogenic for Inborn genetic diseases. Last evaluated: 2017-04-07. Review status: criteria provided, single submitter. Criteria: Ambry exome assertion method (8-5-2015). Collection method: clinical testing. Allele origin: germline. Affected: yes. Observed: 1 variant allele.

Juno Genomics, Hangzhou Juno Genomics, Inc
Classification: Pathogenic for Nemaline myopathy 2. Review status: criteria provided, single submitter. Criteria: ACMG Guidelines, 2015. Collection method: clinical testing. Allele origin: germline. Affected: yes.
Comment: Absent from controls (or at extremely low frequency if recessive) in Genome Aggregation Database, Exome Sequencing Project, 1000 Genomes Project, or Exome Aggregation Consortium.;For recessive disorders, detected in trans with a pathogenic variant.;Patient's phenotype or family history is highly specific for a disease with a single genetic etiology.

Rady Children's Institute for Genomic Medicine, Rady Children's Hospital San Diego
Classification: Pathogenic for NEMALINE MYOPATHY 2. Review status: criteria provided, single submitter. Criteria: ACMG Guidelines, 2015. Collection method: clinical testing. Allele origin: germline. Affected: yes.
Comment: This synonymous variant affects the last nucleotide of exon 174 of the NEB gene and is predicted to abolish the canonical splice donor site of intron 174 by in silico tools (MaxEntScan, GeneSplicer); however, to our knowledge, no RNA-base splicing analysis has been performed to clarify the effect of this alteration on splicing. This variant has been previously reported as a compound heterozygous change or together with another NEB variant, in patients with Nemaline Myopathy (PMID: 24725366, 30467404, 29669168). In one patient, electron microscopy studies showed elongated nemaline bodies in the perinuclear and/or subsarcolemmal areas of muscle fibres (PMID: 24725366). It is present in the heterozygous state in the gnomAD population database at a frequency of 0.003428% (8/233398) and thus is presumed to be rare. Based on the available evidence, the c.24579G>A (p.Ser8193=) variant is classified as Pathogenic.

Literature cited by the submitters: PubMed 29246625 (cited by Natera, Inc.); PubMed 32222963 (cited by Natera, Inc. and Myriad Genetics, Inc.); PubMed 24725366 (cited by 5 submitters); PubMed 17576681 (cited by Labcorp Genetics (formerly Invitae), Labcorp); PubMed 9536098 (cited by Labcorp Genetics (formerly Invitae), Labcorp); PubMed 30467404 (cited by Dasa); PubMed 25205138 (cited by Dasa and Myriad Genetics, Inc.); DOI 10.1186/s13073-024-01353-0 (cited by Muscle and Diseases Team, Institut de Génétique et Biologie Moléculaire et Cellulaire); PubMed 23726790 (cited by Myriad Genetics, Inc.); PubMed 26562614 (cited by Myriad Genetics, Inc.); PubMed 19339519 (cited by Ambry Genetics).